The following is an entry in ClinVar:

NM_000548.5(TSC2):c.4662+7C>T

Gene: TSC2 (TSC complex subunit 2; plus strand). Cytogenetic location: 16p13.3.
Variant type: single nucleotide variant.
Coding change: c.4662+7C>T on transcript NM_000548.5 (MANE Select); 7 bases into the intron after coding-DNA position 4662, C replaced by T.
Molecular consequence: intron variant.
Genome position (GRCh38, 1-based): chr16:2,085,329, C>T. VCF-style: chr16-2085329-C-T. GRCh37 (hg19) VCF-style: chr16-2135330-C-T.
Other names: c.4593+7C>T (NM_001114382.3); c.4533+7C>T (NM_021055.3, NM_001370405.1); c.4464+7C>T (NM_001363528.2); c.4530+7C>T (NM_001370404.1); c.4461+7C>T (NM_001077183.3); c.4353+7C>T (NM_001318827.2); c.3930+7C>T (NM_001318831.2); c.4317+7C>T (NM_001318829.2); and 1 more.
Identifiers: ClinVar variation 536039 (VCV000536039.11), dbSNP rs1555515435, ClinGen allele CA658798488.
Genomic context (GRCh38, chr16:2,085,329, plus strand): 5'-ATCCCATCATACGACACCCACAAGATCGCCGTCCTGTATGTTGGAGAAGGCCAGGTGAGG[C>T]TGCGGGGCCGGCCTAGGTGCCTGGACAGGGCCAGCTGGGCCTCAGCCTGCAGTGGGTAGG-3'

ClinVar aggregate classification (germline): Likely benign. Review status: criteria provided, multiple submitters, no conflicts (2 of 4 stars). 2 submissions from 2 submitters: Likely benign (2). Last evaluated 2025-06-04.

Conditions:
Tuberous sclerosis 2 (TSC2). Identifiers: Orphanet 805, MedGen C1860707, MONDO:0013199, OMIM 613254.

Allele frequency attached by ClinVar (database versions not stated): TOPMed below 0.00001.

Submissions (2):

Myriad Genetics, Inc.
Classification: Likely benign for Tuberous sclerosis 2. Last evaluated: 2025-06-04. Review status: criteria provided, single submitter. Criteria: Myriad Autosomal Dominant, Autosomal Recessive and X-Linked Classification Criteria (2023). Collection method: clinical testing. Allele origin: unknown.
Comment: This variant is considered likely benign. This variant is intronic and is not expected to impact mRNA splicing.

Labcorp Genetics (formerly Invitae), Labcorp
Classification: Likely benign for Tuberous sclerosis 2. Last evaluated: 2025-04-13. Review status: criteria provided, single submitter. Criteria: Invitae Variant Classification Sherloc (09022015). Collection method: clinical testing. Allele origin: germline.